The following is an entry in ClinVar:

ClinVar aggregate classification (germline): Uncertain significance (1 of 4 stars; one submission).

Conditions:
Atrioventricular septal defect 4 (AVSD4). Identifiers: MedGen C3280781, MONDO:0013747, OMIM 614430.

Submission:

Labcorp Genetics (formerly Invitae), Labcorp
Classification: Uncertain significance for Atrioventricular septal defect 4. Last evaluated: 2023-02-06. Review status: criteria provided, single submitter. Criteria: Invitae Variant Classification Sherloc (09022015). Collection method: clinical testing. Allele origin: germline.
Comment: This sequence change replaces proline, which is neutral and non-polar, with leucine, which is neutral and non-polar, at codon 307 of the GATA4 protein (p.Pro307Leu). This variant is not present in population databases (gnomAD no frequency). This variant has not been reported in the literature in individuals affected with GATA4-related conditions. Advanced modeling of protein sequence and biophysical properties (such as structural, functional, and spatial information, amino acid conservation, physicochemical variation, residue mobility, and thermodynamic stability) performed at Invitae indicates that this missense variant is expected to disrupt GATA4 protein function. In summary, the available evidence is currently insufficient to determine the role of this variant in disease. Therefore, it has been classified as a Variant of Uncertain Significance.

NM_001308093.3(GATA4):c.923C>T (p.Pro308Leu)

Gene: GATA4 (GATA binding protein 4). Cytogenetic location: 8p23.1.
Variant type: single nucleotide variant.
Coding change: c.923C>T on transcript NM_001308093.3 (MANE Select); coding-DNA position 923, C replaced by T.
Protein change: p.Pro308Leu; replaces proline 308 with leucine.
Molecular consequence: missense variant.
Genome position (GRCh38, 1-based): chr8:11,755,056, C>T. VCF-style: chr8-11755056-C-T. GRCh37 (hg19) VCF-style: chr8-11612565-C-T.
Other names: c.302C>T, p.Pro101Leu (NM_001308094.2, NM_001374273.1); c.176C>T, p.Pro59Leu (NM_001374274.1); c.920C>T, p.Pro307Leu (NM_002052.5); short protein forms P307L, P308L, P101L, P59L.
Identifiers: ClinVar variation 2834960 (VCV002834960.3), dbSNP rs2486996437, ClinGen allele CA370314354.